The following is an entry in ClinVar:

NM_003803.4(MYOM1):c.4383G>T (p.Leu1461Phe)

Gene: MYOM1 (myomesin 1; minus strand). Cytogenetic location: 18p11.31.
Variant type: single nucleotide variant.
Coding change: c.4383G>T on transcript NM_003803.4 (MANE Select); coding-DNA position 4383, G replaced by T.
Protein change: p.Leu1461Phe; replaces leucine 1461 with phenylalanine.
Molecular consequence: missense variant.
Genome position (GRCh38, 1-based): chr18:3,083,890, C>A on the plus strand (G>T on the coding strand, the complement: MYOM1 is on the minus strand). VCF-style: chr18-3083890-C-A. GRCh37 (hg19) VCF-style: chr18-3083888-C-A.
Other names: c.4095G>T, p.Leu1365Phe (NM_019856.2); short protein forms L1461F, L1365F.
Identifiers: ClinVar variation 1519007 (VCV001519007.9), dbSNP rs200144975, ClinGen allele CA8873950.
Genomic context (GRCh38, chr18:3,083,890, plus strand): 5'-TACAAAAGAGTACAGTTGGATGCCCTCGGCTGTGCTCTGGATTTTCAGGTCTGTAGCAGA[C>A]AAAGCTGAAAGAAGAAAATAGCATATTTCATACATCTGCATGCCCCTCCTGGCAGGAGGA-3'
Protein context (NP_003794.3, residues 1451-1471): LMMEVCKKIA[Leu1461Phe]SATDLKIQST

ClinVar aggregate classification (germline): Uncertain significance. Review status: criteria provided, multiple submitters, no conflicts (2 of 4 stars). 2 submissions from 2 submitters: Uncertain significance (2). Last evaluated 2025-10-21.

Conditions:
Hypertrophic cardiomyopathy. Also called: HYPERTROPHIC MYOCARDIOPATHY. Identifiers: Orphanet 217569, MedGen C0007194, MeSH D002312, MONDO:0005045, HP:0001639.

Allele frequency attached by ClinVar (database versions not stated): gnomAD exomes 0.00001 and 0.00002; ExAC 0.00008; gnomAD 0.00009 and 0.00010; TOPMed 0.00011; ESP Exome Variant Server 0.00025.
gnomAD v4.1: 25 of 1,578,818 alleles (0.0016%); highest among the groups gnomAD compares: African/African-American, 0.031%; no homozygotes.

Submissions (2):

Labcorp Genetics (formerly Invitae), Labcorp
Classification: Uncertain significance for Hypertrophic cardiomyopathy. Last evaluated: 2025-10-21. Review status: criteria provided, single submitter. Criteria: Invitae Variant Classification Sherloc (09022015). Collection method: clinical testing. Allele origin: germline.
Comment: This sequence change replaces leucine, which is neutral and non-polar, with phenylalanine, which is neutral and non-polar, at codon 1461 of the MYOM1 protein (p.Leu1461Phe). This variant is present in population databases (rs200144975, gnomAD 0.03%). This variant has not been reported in the literature in individuals affected with MYOM1-related conditions. ClinVar contains an entry for this variant (Variation ID: 1519007). Invitae Evidence Modeling of protein sequence and biophysical properties (such as structural, functional, and spatial information, amino acid conservation, physicochemical variation, residue mobility, and thermodynamic stability) indicates that this missense variant is not expected to disrupt MYOM1 protein function with a negative predictive value of 80%. In summary, the available evidence is currently insufficient to determine the role of this variant in disease. Therefore, it has been classified as a Variant of Uncertain Significance.

Ambry Genetics
Classification: Uncertain significance. Last evaluated: 2024-07-16. Review status: criteria provided, single submitter. Criteria: Ambry Variant Classification Scheme 2023. Collection method: clinical testing. Allele origin: germline.